The following is an entry in ClinVar:

ClinVar aggregate classification (germline): Uncertain significance (1 of 4 stars; one submission).

Conditions:
Congenital contractural arachnodactyly (CCA). Also called: Beals-Hecht syndrome; BEALS SYNDROME; Arthrogryposis, distal, type 9. Identifiers: Orphanet 115, MedGen C0220668, MONDO:0007363, OMIM 121050.

Submission:

Labcorp Genetics (formerly Invitae), Labcorp
Classification: Uncertain significance for Congenital contractural arachnodactyly. Last evaluated: 2023-12-03. Review status: criteria provided, single submitter. Criteria: Invitae Variant Classification Sherloc (09022015). Collection method: clinical testing. Allele origin: germline.
Comment: This sequence change replaces asparagine, which is neutral and polar, with lysine, which is basic and polar, at codon 1218 of the FBN2 protein (p.Asn1218Lys). This variant is not present in population databases (gnomAD no frequency). This missense change has been observed in individual(s) with clinical features of congenital contractural arachnodactyly (Invitae). Advanced modeling of protein sequence and biophysical properties (such as structural, functional, and spatial information, amino acid conservation, physicochemical variation, residue mobility, and thermodynamic stability) performed at Invitae indicates that this missense variant is expected to disrupt FBN2 protein function with a positive predictive value of 80%. In summary, the available evidence is currently insufficient to determine the role of this variant in disease. Therefore, it has been classified as a Variant of Uncertain Significance.

NM_001999.4(FBN2):c.3654C>G (p.Asn1218Lys)

Gene: FBN2 (fibrillin 2; minus strand). Cytogenetic location: 5q23.3.
Variant type: single nucleotide variant.
Coding change: c.3654C>G on transcript NM_001999.4 (MANE Select); coding-DNA position 3654, C replaced by G.
Protein change: p.Asn1218Lys; replaces asparagine 1218 with lysine.
Molecular consequence: missense variant.
Genome position (GRCh38, 1-based): chr5:128,336,058, G>C on the plus strand (C>G on the coding strand, the complement: FBN2 is on the minus strand). VCF-style: chr5-128336058-G-C. GRCh37 (hg19) VCF-style: chr5-127671750-G-C.
Other names: short protein forms N1218K.
Identifiers: ClinVar variation 2700714 (VCV002700714.3), dbSNP rs2479803534, ClinGen allele CA360758325.